The following is an entry in ClinVar:

ClinVar aggregate classification (germline): Uncertain significance (1 of 4 stars; one submission).

Conditions:
NCOA1-related disorder. Also called: NCOA1-related condition.

gnomAD v4.1: 205 of 1,614,214 alleles (0.013%); highest among the groups gnomAD compares: South Asian, 0.21%; 1 homozygote.

Submission:

PreventionGenetics, part of Exact Sciences
Classification: Uncertain significance for NCOA1-related condition. Last evaluated: 2026-09-01. Review status: criteria provided, single submitter. Criteria: ACMG Guidelines, 2015. Collection method: clinical testing. Allele origin: germline.
Comment: The NCOA1 c.3469C>G variant is predicted to result in the amino acid substitution p.Pro1157Ala. To our knowledge, this variant has not been reported in the literature. This variant is reported in 0.22% of alleles in individuals of South Asian descent in gnomAD, which may be too common to be causative. Although we suspect that this variant may be benign, at this time, the clinical significance of this variant is uncertain due to the absence of conclusive functional and genetic evidence.

NM_003743.5(NCOA1):c.3469C>G (p.Pro1157Ala)

Gene: NCOA1 (nuclear receptor coactivator 1; plus strand). Cytogenetic location: 2p23.3.
Variant type: single nucleotide variant.
Coding change: c.3469C>G on transcript NM_003743.5 (MANE Select); coding-DNA position 3469, C replaced by G.
Protein change: p.Pro1157Ala; replaces proline 1157 with alanine.
Molecular consequence: missense variant.
Genome position (GRCh38, 1-based): chr2:24,741,949, C>G. VCF-style: chr2-24741949-C-G. GRCh37 (hg19) VCF-style: chr2-24964818-C-G.
Other names: c.3469C>G, p.Pro1157Ala (NM_001362950.1, NM_001362952.1, NM_001362954.1 and 3 more transcripts); short protein forms P1157A.
Identifiers: ClinVar variation 4986337 (VCV004986337.1).